The following is an entry in ClinVar:

ClinVar aggregate classification (germline): Uncertain significance (1 of 4 stars; one submission).

Conditions:
Meckel-Gruber syndrome. Also called: Dysencephalia splachnocystica; DYSENCEPHALIA SPLANCHNOCYSTICA; GRUBER SYNDROME. Identifiers: Orphanet 564, MedGen C0265215, MONDO:0018921.
Nephronophthisis. Also called: Juvenile Nephronophthisis. Identifiers: Orphanet 655, MedGen C0687120, MONDO:0019005, HP:0000090.
Joubert syndrome. Also called: CEREBELLOPARENCHYMAL DISORDER IV; JOUBERT-BOLTSHAUSER SYNDROME; Familial aplasia of the vermis. Identifiers: Orphanet 475, MedGen C5979921, MONDO:0018772.

Allele frequency attached by ClinVar (database versions not stated): TOPMed below 0.00001.

Submission:

Labcorp Genetics (formerly Invitae), Labcorp
Classification: Uncertain significance for Joubert syndrome; Meckel-Gruber syndrome; Nephronophthisis. Last evaluated: 2015-03-21. Review status: criteria provided, single submitter. Criteria: Invitae Variant Classification Sherloc (09022015). Collection method: clinical testing. Allele origin: germline.
Comment: The aspartic acid amino acid residue is found in multiple mammalian species, suggesting that this missense change does not adversely affect protein function. In summary, this is a novel missense change that is not predicted to affect protein function or cause disease. However the evidence is insufficient at this time to prove that conclusively. It has been classified as a Variant of Uncertain Significance. Algorithms developed to predict the effect of missense changes on protein structure and function (SIFT, PolyPhen-2, Align-GVGD) all suggest that this variant is likely to be tolerated, but these predictions have not been confirmed by published functional studies. This variant has not been published in the literature and is not present in population databases. This sequence change replaces glycine with aspartic acid at codon 2336 of the CEP290 protein (p.Gly2336Asp). The glycine residue is moderately conserved and there is a moderate physicochemical difference between glycine and aspartic acid.

NM_025114.4(CEP290):c.7007G>A (p.Gly2336Asp)

Gene: CEP290 (centrosomal protein 290; minus strand). Cytogenetic location: 12q21.32.
Variant type: single nucleotide variant.
Coding change: c.7007G>A on transcript NM_025114.4 (MANE Select); coding-DNA position 7007, G replaced by A.
Protein change: p.Gly2336Asp; replaces glycine 2336 with aspartic acid.
Molecular consequence: missense variant.
Genome position (GRCh38, 1-based): chr12:88,054,367, C>T on the plus strand (G>A on the coding strand, the complement: CEP290 is on the minus strand). VCF-style: chr12-88054367-C-T. GRCh37 (hg19) VCF-style: chr12-88448144-C-T.
Other names: short protein forms G2336D.
Identifiers: ClinVar variation 216770 (VCV000216770.9), dbSNP rs863224794, ClinGen allele CA336181.